The following is an entry in ClinVar:

ClinVar aggregate classification (germline): Uncertain significance (1 of 4 stars; one submission).

Submission:

GeneDx
Classification: Uncertain significance. Last evaluated: 2024-06-13. Review status: criteria provided, single submitter. Criteria: GeneDx Variant Classification Process June 2021. Collection method: clinical testing. Allele origin: germline. Affected: yes.
Comment: Not observed at significant frequency in large population cohorts (gnomAD); In silico analysis indicates that this missense variant does not alter protein structure/function; Has not been previously published as pathogenic or benign to our knowledge

NM_002430.3(MN1):c.967A>G (p.Met323Val)

Gene: MN1 (MN1 proto-oncogene, transcriptional regulator; minus strand). Cytogenetic location: 22q12.1.
Variant type: single nucleotide variant.
Coding change: c.967A>G on transcript NM_002430.3 (MANE Select); coding-DNA position 967, A replaced by G.
Protein change: p.Met323Val; replaces methionine 323 with valine.
Molecular consequence: missense variant.
Genome position (GRCh38, 1-based): chr22:27,799,577, T>C on the plus strand (A>G on the coding strand, the complement: MN1 is on the minus strand). VCF-style: chr22-27799577-T-C. GRCh37 (hg19) VCF-style: chr22-28195565-T-C.
Other names: short protein forms M323V.
Identifiers: ClinVar variation 3390522 (VCV003390522.1).